The following is an entry in ClinVar:

ClinVar aggregate classification (germline): Uncertain significance (1 of 4 stars; one submission).

gnomAD v4.1: 7 of 1,613,880 alleles (0.00043%); highest among the groups gnomAD compares: African/African-American, 0.0013%; no homozygotes.

Submission:

GeneDx
Classification: Uncertain significance. Last evaluated: 2024-11-01. Review status: criteria provided, single submitter. Criteria: GeneDx Variant Classification Process June 2021. Collection method: clinical testing. Allele origin: germline. Affected: yes.
Comment: Not observed at significant frequency in large population cohorts (gnomAD); In silico analysis supports that this missense variant has a deleterious effect on protein structure/function; Has not been previously published as pathogenic or benign to our knowledge

NM_194248.3(OTOF):c.4309G>A (p.Gly1437Arg)

Gene: OTOF (otoferlin; minus strand). Cytogenetic location: 2p23.3.
Variant type: single nucleotide variant.
Coding change: c.4309G>A on transcript NM_194248.3 (MANE Select); coding-DNA position 4309, G replaced by A.
Protein change: p.Gly1437Arg; replaces glycine 1437 with arginine.
Molecular consequence: missense variant.
Genome position (GRCh38, 1-based): chr2:26,467,152, C>T on the plus strand (G>A on the coding strand, the complement: OTOF is on the minus strand). VCF-style: chr2-26467152-C-T. GRCh37 (hg19) VCF-style: chr2-26690020-C-T.
Other names: c.4309G>A, p.Gly1437Arg (NM_001287489.2); c.2008G>A, p.Gly670Arg (NM_004802.4, NM_194323.3); c.2239G>A, p.Gly747Arg (NM_194322.3); short protein forms G1437R, G670R, G747R.
Identifiers: ClinVar variation 3897352 (VCV003897352.1).